The following is an entry in ClinVar:

ClinVar aggregate classification (germline): Uncertain significance (1 of 4 stars; one submission).

Submission:

Labcorp Genetics (formerly Invitae), Labcorp
Classification: Uncertain significance. Last evaluated: 2022-11-23. Review status: criteria provided, single submitter. Criteria: Invitae Variant Classification Sherloc (09022015). Collection method: clinical testing. Allele origin: germline.
Comment: In summary, the available evidence is currently insufficient to determine the role of this variant in disease. Therefore, it has been classified as a Variant of Uncertain Significance. Advanced modeling of protein sequence and biophysical properties (such as structural, functional, and spatial information, amino acid conservation, physicochemical variation, residue mobility, and thermodynamic stability) has been performed at Invitae for this missense variant, however the output from this modeling did not meet the statistical confidence thresholds required to predict the impact of this variant on KMT2A protein function. ClinVar contains an entry for this variant (Variation ID: 1480355). This variant has not been reported in the literature in individuals affected with KMT2A-related conditions. This variant is not present in population databases (gnomAD no frequency). This sequence change replaces phenylalanine, which is neutral and non-polar, with cysteine, which is neutral and slightly polar, at codon 285 of the KMT2A protein (p.Phe285Cys).

NM_001197104.2(KMT2A):c.854T>G (p.Phe285Cys)

Gene: KMT2A (lysine methyltransferase 2A; plus strand). Cytogenetic location: 11q23.3.
Variant type: single nucleotide variant.
Coding change: c.854T>G on transcript NM_001197104.2 (MANE Select); coding-DNA position 854, T replaced by G.
Protein change: p.Phe285Cys; replaces phenylalanine 285 with cysteine.
Molecular consequence: missense variant.
Genome position (GRCh38, 1-based): chr11:118,472,013, T>G. VCF-style: chr11-118472013-T-G. GRCh37 (hg19) VCF-style: chr11-118342728-T-G.
Other names: c.854T>G, p.Phe285Cys (NM_005933.4); short protein forms F285C.
Identifiers: ClinVar variation 1480355 (VCV001480355.8), dbSNP rs2134258809, ClinGen allele CA382808181.
Genomic context (GRCh38, chr11:118,472,013, plus strand): 5'-AGCAAGCCACAAAGATTAAAAAATTAAGAGCAGGTAAACTCTCTCCTCTCAAGTCTAAGT[T>G]TAAGACAGGGAAGCTTCAAATAGGAAGGAAGGGGGTACAAATTGTACGACGGAGAGGAAG-3'
Protein context (NP_001184033.1, residues 275-295): AGKLSPLKSK[Phe285Cys]KTGKLQIGRK